The following is an entry in ClinVar:

ClinVar aggregate classification (germline): Uncertain significance (1 of 4 stars; one submission).

Conditions:
Peroxisome biogenesis disorder, complementation group K (CGK). Identifiers: MedGen C1866257, MONDO:0800365.

gnomAD v4.1: 2 of 1,613,556 alleles (0.00012%); highest among the groups gnomAD compares: Non-Finnish European, 0.00017%; no homozygotes.

Submission:

Labcorp Genetics (formerly Invitae), Labcorp
Classification: Uncertain significance for Peroxisome biogenesis disorder, complementation group K. Last evaluated: 2024-02-24. Review status: criteria provided, single submitter. Criteria: Invitae Variant Classification Sherloc (09022015). Collection method: clinical testing. Allele origin: germline.
Comment: This sequence change replaces alanine, which is neutral and non-polar, with serine, which is neutral and polar, at codon 102 of the PEX14 protein (p.Ala102Ser). The frequency data for this variant in the population databases is considered unreliable, as metrics indicate poor data quality at this position in the gnomAD database. This variant has not been reported in the literature in individuals affected with PEX14-related conditions. ClinVar contains an entry for this variant (Variation ID: 1450349). Advanced modeling of protein sequence and biophysical properties (such as structural, functional, and spatial information, amino acid conservation, physicochemical variation, residue mobility, and thermodynamic stability) performed at Invitae indicates that this missense variant is not expected to disrupt PEX14 protein function with a negative predictive value of 80%. In summary, the available evidence is currently insufficient to determine the role of this variant in disease. Therefore, it has been classified as a Variant of Uncertain Significance.

NM_004565.3(PEX14):c.304G>T (p.Ala102Ser)

Gene: PEX14 (peroxisomal biogenesis factor 14; plus strand). Cytogenetic location: 1p36.22.
Variant type: single nucleotide variant.
Coding change: c.304G>T on transcript NM_004565.3 (MANE Select); coding-DNA position 304, G replaced by T.
Protein change: p.Ala102Ser; replaces alanine 102 with serine.
Molecular consequence: missense variant.
Genome position (GRCh38, 1-based): chr1:10,618,337, G>T. VCF-style: chr1-10618337-G-T. GRCh37 (hg19) VCF-style: chr1-10678394-G-T.
Other names: short protein forms A102S.
Identifiers: ClinVar variation 1450349 (VCV001450349.6), dbSNP rs753731034, ClinGen allele CA338330846.
Genomic context (GRCh38, chr1:10,618,337, plus strand): 5'-CCCGAAGAAGGACGCCATGTGCGTCTTCTAACCCTCCTCCTCTTCCCGCCTGTAGGTCCC[G>T]CAGGCTCCCGATGGCGAGATTACGGCGCCCTGGCCATCATCATGGCAGGCATTGCATTTG-3'
Protein context (NP_004556.1, residues 92-112): PHLISQPYSP[Ala102Ser]GSRWRDYGAL